The following is an entry in ClinVar:

NM_001080517.3(SETD5):c.1708T>G (p.Ser570Ala)

Gene: SETD5 (SET domain containing 5; plus strand). Cytogenetic location: 3p25.3.
Variant type: single nucleotide variant.
Coding change: c.1708T>G on transcript NM_001080517.3 (MANE Select); coding-DNA position 1708, T replaced by G.
Protein change: p.Ser570Ala; replaces serine 570 with alanine.
Molecular consequence: missense variant.
Genome position (GRCh38, 1-based): chr3:9,447,233, T>G. VCF-style: chr3-9447233-T-G. GRCh37 (hg19) VCF-style: chr3-9488917-T-G.
Other names: c.1414T>G, p.Ser472Ala (NM_001292043.2, NM_001349451.2); c.1804T>G, p.Ser602Ala (NM_001437633.1); c.1765T>G, p.Ser589Ala (NM_001437635.1); c.1708T>G, p.Ser570Ala (NM_001437643.1); c.1747T>G, p.Ser583Ala (NM_001437701.1); short protein forms S472A, S570A, S583A, S589A, S602A.
Identifiers: ClinVar variation 4823539 (VCV004823539.4).

ClinVar aggregate classification (germline): Uncertain significance (1 of 4 stars; one submission).

Submission:

CeGaT Center for Human Genetics Tuebingen
Classification: Uncertain significance. Last evaluated: 2026-03-01. Review status: criteria provided, single submitter. Criteria: CeGaT Center For Human Genetics Tuebingen Variant Classification Criteria Version 2. Collection method: clinical testing. Allele origin: germline. Affected: yes. Observed: 1 variant allele.
Comment: SETD5: PM2